The following is an entry in ClinVar:

NM_152393.4(KLHL40):c.472G>T (p.Ala158Ser)

Gene: KLHL40 (kelch like family member 40; plus strand). Cytogenetic location: 3p22.1.
Variant type: single nucleotide variant.
Coding change: c.472G>T on transcript NM_152393.4 (MANE Select); coding-DNA position 472, G replaced by T.
Protein change: p.Ala158Ser; replaces alanine 158 with serine.
Molecular consequence: missense variant.
Genome position (GRCh38, 1-based): chr3:42,686,090, G>T. VCF-style: chr3-42686090-G-T. GRCh37 (hg19) VCF-style: chr3-42727582-G-T.
Other names: short protein forms A158S.
Identifiers: ClinVar variation 1039128 (VCV001039128.5), dbSNP rs562925616, ClinGen allele CA2336662.

ClinVar aggregate classification (germline): Uncertain significance (1 of 4 stars; one submission).

Conditions:
Nemaline myopathy 8 (NEM8). Also called: Nemaline myopathy 8, autosomal recessive. Identifiers: Orphanet 171430, MedGen C3809209, MONDO:0014138, OMIM 615348.

Allele frequency attached by ClinVar (database versions not stated): gnomAD 0.00001; TOPMed 0.00001; ExAC 0.00004; 1000 Genomes Project 30x 0.00016; 1000 Genomes Project 0.00020.
gnomAD v4.1: 17 of 1,602,400 alleles (0.0011%); highest among the groups gnomAD compares: East Asian, 0.031%; no homozygotes.

Submission:

Labcorp Genetics (formerly Invitae), Labcorp
Classification: Uncertain significance for Nemaline myopathy 8. Last evaluated: 2024-10-29. Review status: criteria provided, single submitter. Criteria: Invitae Variant Classification Sherloc (09022015). Collection method: clinical testing. Allele origin: germline.
Comment: This sequence change replaces alanine, which is neutral and non-polar, with serine, which is neutral and polar, at codon 158 of the KLHL40 protein (p.Ala158Ser). This variant is present in population databases (rs562925616, gnomAD 0.03%). This variant has not been reported in the literature in individuals affected with KLHL40-related conditions. ClinVar contains an entry for this variant (Variation ID: 1039128). Invitae Evidence Modeling of protein sequence and biophysical properties (such as structural, functional, and spatial information, amino acid conservation, physicochemical variation, residue mobility, and thermodynamic stability) indicates that this missense variant is not expected to disrupt KLHL40 protein function with a negative predictive value of 80%. In summary, the available evidence is currently insufficient to determine the role of this variant in disease. Therefore, it has been classified as a Variant of Uncertain Significance.